The following is an entry in ClinVar:

NM_170606.3(KMT2C):c.10186C>G (p.Gln3396Glu)

Gene: KMT2C (lysine methyltransferase 2C; minus strand). Cytogenetic location: 7q36.1.
Variant type: single nucleotide variant.
Coding change: c.10186C>G on transcript NM_170606.3 (MANE Select); coding-DNA position 10186, C replaced by G.
Protein change: p.Gln3396Glu; replaces glutamine 3396 with glutamic acid.
Molecular consequence: missense variant.
Genome position (GRCh38, 1-based): chr7:152,163,391, G>C on the plus strand (C>G on the coding strand, the complement: KMT2C is on the minus strand). VCF-style: chr7-152163391-G-C. GRCh37 (hg19) VCF-style: chr7-151860476-G-C.
Other names: short protein forms Q3396E.
Identifiers: ClinVar variation 5007181 (VCV005007181.2).

ClinVar aggregate classification (germline): Uncertain significance (1 of 4 stars; one submission).

Conditions:
Kleefstra syndrome 2 (KLEFS2). Identifiers: MedGen C4540395, MONDO:0054701, OMIM 617768.

Submission:

Juno Genomics, Hangzhou Juno Genomics, Inc
Classification: Uncertain significance for Kleefstra syndrome 2. Review status: criteria provided, single submitter. Criteria: ACMG Guidelines, 2015. Collection method: clinical testing. Allele origin: germline.
Comment: Absent from controls (or at extremely low frequency if recessive) in Genome Aggregation Database.;Missense variant in a gene that has a low rate of benign missense variation.